The following is an entry in ClinVar:

NM_001130987.2(DYSF):c.6064-33G>A

Gene: DYSF (dysferlin; plus strand). Cytogenetic location: 2p13.2.
Variant type: single nucleotide variant.
Coding change: c.6064-33G>A on transcript NM_001130987.2 (MANE Select); 33 bases into the intron before coding-DNA position 6064, G replaced by A.
Molecular consequence: intron variant.
Genome position (GRCh38, 1-based): chr2:71,680,968, G>A. VCF-style: chr2-71680968-G-A. GRCh37 (hg19) VCF-style: chr2-71908098-G-A.
Other names: c.6040-33G>A (NM_001130979.2); c.6061-33G>A (NM_001130981.2); c.5998-33G>A (NM_001130980.2); c.6010-33G>A (NM_001130978.2); c.5947-33G>A (NM_003494.4); c.5968-33G>A (NM_001130977.2); c.5905-33G>A (NM_001130976.2); c.6043-33G>A (NM_001130982.2); and 5 more.
Identifiers: ClinVar variation 677480 (VCV000677480.1), dbSNP rs117788234, ClinGen allele CA1707582.

ClinVar aggregate classification (germline): Likely benign (1 of 4 stars; one submission).

Allele frequency attached by ClinVar (database versions not stated): 1000 Genomes Project 0.00419; 1000 Genomes Project 30x 0.00437; ExAC 0.00469; ESP Exome Variant Server 0.00561; TOPMed 0.00589; gnomAD 0.00650.
gnomAD v4.1: 7,683 of 1,602,410 alleles (0.48%); highest among the groups gnomAD compares: East Asian, 2.1%; 39 homozygotes.

Submission:

GeneDx
Classification: Likely benign. Last evaluated: 2018-06-16. Review status: criteria provided, single submitter. Criteria: GeneDx Variant Classification (06012015). Collection method: clinical testing. Allele origin: germline. Affected: yes.
Comment: This variant is considered likely benign or benign based on one or more of the following criteria: it is a conservative change, it occurs at a poorly conserved position in the protein, it is predicted to be benign by multiple in silico algorithms, and/or has population frequency not consistent with disease.